The following is an entry in ClinVar:

ClinVar aggregate classification (germline): Likely pathogenic (1 of 4 stars; one submission).

Submission:

Laboratorio de Genetica e Diagnostico Molecular, Hospital Israelita Albert Einstein
Classification: Likely pathogenic. Last evaluated: 2021-09-03. Review status: criteria provided, single submitter. Criteria: ACMG Guidelines, 2015. Collection method: clinical testing. Allele origin: germline. Affected: yes.
Comment: ACMG classification criteria: PVS1, PM2

NM_000135.4(FANCA):c.2853_2856del

Gene: FANCA (FA complementation group A; minus strand). Cytogenetic location: 16q24.3.
Variant type: Deletion.
Coding change: c.2853_2856del on transcript NM_000135.4 (MANE Select); coding-DNA positions 2853 to 2856, 4 bases deleted (CAGG; older notation c.2853_2856delCAGG).
Molecular consequence: splice acceptor variant.
Genome position (GRCh38, 1-based): chr16:89,758,701-89,758,704, CCTG deleted on the plus strand (CAGG on the coding strand, the reverse complement: FANCA is on the minus strand); deleting any 4 consecutive bases within chr16:89,758,701-89,758,707 gives the same sequence; the c. name uses the placement nearest the transcript's 3' end. VCF-style (leftmost placement, unchanged base first): chr16-89758700-TCCTG-T. GRCh37 (hg19) VCF-style: chr16-89825108-TCCTG-T.
Identifiers: ClinVar variation 1691039 (VCV001691039.2), dbSNP rs2143225807, ClinGen allele CA2573152884.